The following is an entry in ClinVar:

ClinVar aggregate classification (germline): Uncertain significance (1 of 4 stars; one submission).

gnomAD v4.1: 17 of 1,614,052 alleles (0.0011%); highest among the groups gnomAD compares: Non-Finnish European, 0.0013%; no homozygotes.

Submission:

Labcorp Genetics (formerly Invitae), Labcorp
Classification: Uncertain significance. Last evaluated: 2025-09-23. Review status: criteria provided, single submitter. Criteria: Invitae Variant Classification Sherloc (09022015). Collection method: clinical testing. Allele origin: germline.
Comment: This sequence change replaces glutamic acid, which is acidic and polar, with aspartic acid, which is acidic and polar, at codon 45 of the TFRC protein (p.Glu45Asp). This variant is not present in population databases (gnomAD no frequency). This variant has not been reported in the literature in individuals affected with TFRC-related conditions. An algorithm developed to predict the effect of missense changes on protein structure and function outputs the following: PolyPhen-2: "Benign". The aspartic acid amino acid residue is found in multiple mammalian species, which suggests that this missense change does not adversely affect protein function. In summary, the available evidence is currently insufficient to determine the role of this variant in disease. Therefore, it has been classified as a Variant of Uncertain Significance.

NM_001128148.3(TFRC):c.135A>C (p.Glu45Asp)

Gene: TFRC (transferrin receptor; minus strand). Cytogenetic location: 3q29.
Variant type: single nucleotide variant.
Coding change: c.135A>C on transcript NM_001128148.3 (MANE Select); coding-DNA position 135, A replaced by C.
Protein change: p.Glu45Asp; replaces glutamic acid 45 with aspartic acid.
Molecular consequence: missense variant. On other transcripts: intron variant (2).
Genome position (GRCh38, 1-based): chr3:196,075,262, T>G on the plus strand (A>C on the coding strand, the complement: TFRC is on the minus strand). VCF-style: chr3-196075262-T-G. GRCh37 (hg19) VCF-style: chr3-195802133-T-G.
Other names: c.135A>C, p.Glu45Asp (NM_003234.4); c.-413+1802A>C (NM_001313966.2); c.-5-1137A>C (NM_001313965.2); short protein forms E45D.
Identifiers: ClinVar variation 4690957 (VCV004690957.1).